The following is an entry in ClinVar:

ClinVar aggregate classification (germline): Benign. Review status: criteria provided, multiple submitters, no conflicts (2 of 4 stars). 4 submissions from 4 submitters: Benign (4). Last evaluated 2024-07-15.

Conditions:
Autosomal recessive Alport syndrome (ATS2). Also called: COL4A4 Alport Syndrome and Thin Basement Membrane Nephropathy; COL4A3-Related Nephropathy; Alport syndrome type 2; ALPORT SYNDROME 2, AUTOSOMAL RECESSIVE. Identifiers: Orphanet 63, Orphanet 88919, MedGen C4746745, MONDO:0008762, OMIM 203780.

Allele frequency attached by ClinVar (database versions not stated): ESP Exome Variant Server 0.97503; gnomAD exomes 0.97647; TOPMed 0.97791; gnomAD 0.97899 and 0.97972; 1000 Genomes Project 30x 0.98891; 1000 Genomes Project 0.98942.
gnomAD v4.1: 1,199,611 of 1,228,038 alleles (98%); highest among the groups gnomAD compares: East Asian, 100%; 586,020 homozygotes.

Submissions (4):

Unidad de Genómica Garrahan, Hospital de Pediatría Garrahan
Classification: Benign. Last evaluated: 2024-07-15. Review status: criteria provided, single submitter. Criteria: ACMG Guidelines, 2015. Collection method: clinical testing. Allele origin: germline. Affected: no. Observed: 93 variant alleles.
Comment: This variant is classified as Benign based on local population frequency. This variant was detected in 100% of patients studied in a panel designed for Epileptic and Developmental Encephalopathy and Progressive Myoclonus Epilepsy. Number of patients: 93. Only high quality variants are reported.

Genome-Nilou Lab
Classification: Benign for Autosomal recessive Alport syndrome. Last evaluated: 2021-06-10. Review status: criteria provided, single submitter. Criteria: ACMG Guidelines, 2015. Collection method: clinical testing. Allele origin: germline. Affected: no.

GeneDx
Classification: Benign. Last evaluated: 2018-06-22. Review status: criteria provided, single submitter. Criteria: GeneDx Variant Classification Process June 2021. Collection method: clinical testing. Allele origin: germline. Affected: yes.

Breakthrough Genomics
Classification: Benign. Review status: criteria provided, single submitter. Criteria: ACMG Guidelines, 2015. Collection method: not provided. Allele origin: germline. Inheritance: Autosomal recessive inheritance. Affected: yes.

NM_000091.5(COL4A3):c.442-88A>G

Genes: MFF-DT (MFF divergent transcript; minus strand), COL4A3 (collagen type IV alpha 3 chain; plus strand). Cytogenetic location: 2q36.3.
Variant type: single nucleotide variant.
Coding change: c.442-88A>G on transcript NM_000091.5 (MANE Select); 88 bases into the intron before coding-DNA position 442, A replaced by G.
Molecular consequence: intron variant.
Genome position (GRCh38, 1-based): chr2:227,247,470, A>G. VCF-style: chr2-227247470-A-G. GRCh37 (hg19) VCF-style: chr2-228112186-A-G.
Identifiers: ClinVar variation 1172968 (VCV001172968.7), dbSNP rs4321358, ClinGen allele CA11345218.